The following is an entry in ClinVar:

NM_007294.4(BRCA1):c.1907G>C (p.Cys636Ser)

Gene: BRCA1 (BRCA1 DNA repair associated; minus strand). Cytogenetic location: 17q21.31.
Variant type: single nucleotide variant.
Coding change: c.1907G>C on transcript NM_007294.4 (MANE Select); coding-DNA position 1907, G replaced by C.
Protein change: p.Cys636Ser; replaces cysteine 636 with serine.
Molecular consequence: missense variant. On other transcripts: intron variant (137).
Genome position (GRCh38, 1-based): chr17:43,093,624, C>G on the plus strand (G>C on the coding strand, the complement: BRCA1 is on the minus strand). VCF-style: chr17-43093624-C-G. GRCh37 (hg19) VCF-style: chr17-41245641-C-G.
Other names: c.1763G>C, p.Cys588Ser (NM_001407964.1, NM_001407740.1, NM_001407741.1 and 20 more transcripts); c.1403G>C, p.Cys468Ser (NM_001407965.1); c.1019G>C, p.Cys340Ser (NM_001407966.1, NM_001407967.1); c.787+1120G>C (NM_001407980.1, NM_001407993.1, NM_001407976.1 and 19 more transcripts); c.1766G>C, p.Cys589Ser (NM_007297.4, NM_001407692.1, NM_001407694.1 and 29 more transcripts); c.1907G>C, p.Cys636Ser (NM_007300.4, NM_001407581.1, NM_001407582.1 and 30 more transcripts); c.646+1120G>C (NM_001408458.1, NM_001408461.1, NM_001408469.1 and 11 more transcripts); c.283+1120G>C (NM_001408512.1); and 40 more; short protein forms C636S, C589S, C468S, C508S, C525S, C566S, C635S, C509S.
Identifiers: ClinVar variation 579537 (VCV000579537.11), dbSNP rs398122649, ClinGen allele CA10598210.

ClinVar aggregate classification (germline): Conflicting classifications of pathogenicity. Review status: criteria provided, conflicting classifications (1 of 4 stars). 3 submissions from 3 submitters: Uncertain significance (2); Likely benign (1). Last evaluated 2023-03-23.

Conditions:
Hereditary breast ovarian cancer syndrome. Also called: Hereditary breast and ovarian cancer syndrome; Hereditary breast and ovarian cancer syndrome (HBOC); BRCA1- and BRCA2-Associated Hereditary Breast and Ovarian Cancer; Hereditary breast and/or ovarian cancer syndrome; Hereditary breast and ovarian cancer; Breast and ovarian cancer. Identifiers: Orphanet 145, MedGen C0677776, MeSH D061325, MONDO:0003582. Disease mechanism: loss of function.
Hereditary cancer-predisposing syndrome. Also called: Neoplastic Syndromes, Hereditary; Tumor predisposition; Hereditary neoplastic syndrome; Hereditary Cancer Syndrome. Identifiers: Orphanet 140162, MedGen C0027672, MeSH D009386, MONDO:0015356.

Allele frequency attached by ClinVar (database versions not stated): gnomAD exomes below 0.00001.
gnomAD v4.1: 1 of 1,613,980 alleles (0.000062%); highest among the groups gnomAD compares: Non-Finnish European, 0.000085%; no homozygotes.

Submissions (3):

University of Washington Department of Laboratory Medicine, University of Washington
Classification: Likely benign for Hereditary cancer-predisposing syndrome. Last evaluated: 2023-03-23. Review status: criteria provided, single submitter. Criteria: Dines et al. (Genet Med. 2020). Collection method: curation. Allele origin: germline.
Comment: Missense variant in a coldspot region where missense variants are very unlikely to be pathogenic (PMID:31911673).

BRCA1 coldspot (exon 11 using historical exon numbering). Reclassification based on statistical prior probability

Labcorp Genetics (formerly Invitae), Labcorp
Classification: Uncertain significance for Hereditary breast ovarian cancer syndrome. Last evaluated: 2021-08-31. Review status: criteria provided, single submitter. Criteria: Invitae Variant Classification Sherloc (09022015). Collection method: clinical testing. Allele origin: germline.
Comment: This sequence change replaces cysteine with serine at codon 636 of the BRCA1 protein (p.Cys636Ser). The cysteine residue is weakly conserved and there is a moderate physicochemical difference between cysteine and serine. This variant is not present in population databases (ExAC no frequency). This variant has not been reported in the literature in individuals affected with BRCA1-related conditions. ClinVar contains an entry for this variant (Variation ID: 579537). Algorithms developed to predict the effect of missense changes on protein structure and function (SIFT, PolyPhen-2, Align-GVGD) all suggest that this variant is likely to be tolerated. In summary, the available evidence is currently insufficient to determine the role of this variant in disease. Therefore, it has been classified as a Variant of Uncertain Significance.

Ambry Genetics
Classification: Uncertain significance for Hereditary cancer-predisposing syndrome. Last evaluated: 2020-05-11. Review status: criteria provided, single submitter. Criteria: Ambry Variant Classification Scheme 2023. Collection method: clinical testing. Allele origin: germline.
Comment: The p.C636S variant (also known as c.1907G>C), located in coding exon 9 of the BRCA1 gene, results from a G to C substitution at nucleotide position 1907. The cysteine at codon 636 is replaced by serine, an amino acid with dissimilar properties. This amino acid position is poorly conserved in available vertebrate species. In addition, this alteration is predicted to be tolerated by in silico analysis. Since supporting evidence is limited at this time, the clinical significance of this alteration remains unclear.